The following is an entry in ClinVar:

NM_001378030.1(CCDC78):c.1075C>G (p.Leu359Val)

Gene: CCDC78 (coiled-coil domain containing 78; minus strand). Cytogenetic location: 16p13.3.
Variant type: single nucleotide variant.
Coding change: c.1075C>G on transcript NM_001378030.1 (MANE Select); coding-DNA position 1075, C replaced by G.
Protein change: p.Leu359Val; replaces leucine 359 with valine.
Molecular consequence: missense variant. On other transcripts: non-coding transcript variant (5), intron variant (1).
Genome position (GRCh38, 1-based): chr16:723,915, G>C on the plus strand (C>G on the coding strand, the complement: CCDC78 is on the minus strand). VCF-style: chr16-723915-G-C. GRCh37 (hg19) VCF-style: chr16-773915-G-C.
Other names: c.1075C>G, p.Leu359Val (NM_001031737.3); c.508C>G, p.Leu170Val (NM_001378033.1); c.953+407C>G (NM_001378031.1); short protein forms L170V, L359V.
Identifiers: ClinVar variation 2865926 (VCV002865926.3), dbSNP rs987374804, ClinGen allele CA276519709.
Genomic context (GRCh38, chr16:723,915, plus strand): 5'-ACTGTGGCTCTGATGTTCCCCCCTGGGAGGCTCCACCGGGTCTCTTTTTTGGGGATGAGA[G>C]CAGTGCCCCAGGCCCGCCGTGCTACAGAGGTTTGTGGTGGGGACGTTTCAGTTGGCTGAA-3'
Protein context (NP_001364959.1, residues 349-369): EDQHGGPGAL[Leu359Val]SSPKKRPGGA

ClinVar aggregate classification (germline): Uncertain significance (1 of 4 stars; one submission).

Conditions:
Congenital myopathy with internal nuclei and atypical cores. Also called: Myopathy, centronuclear, 4. Identifiers: Orphanet 319160, MedGen C4707232, MONDO:0013890, OMIM 614807.

Allele frequency attached by ClinVar (database versions not stated): gnomAD 0.00002; TOPMed 0.00002.
gnomAD v4.1: 4 of 1,601,376 alleles (0.00025%); highest among the groups gnomAD compares: African/African-American, 0.0054%; no homozygotes.

Submission:

Labcorp Genetics (formerly Invitae), Labcorp
Classification: Uncertain significance for Congenital myopathy with internal nuclei and atypical cores. Last evaluated: 2023-04-01. Review status: criteria provided, single submitter. Criteria: Invitae Variant Classification Sherloc (09022015). Collection method: clinical testing. Allele origin: germline.
Comment: This variant has not been reported in the literature in individuals affected with CCDC78-related conditions. Advanced modeling of protein sequence and biophysical properties (such as structural, functional, and spatial information, amino acid conservation, physicochemical variation, residue mobility, and thermodynamic stability) performed at Invitae indicates that this missense variant is not expected to disrupt CCDC78 protein function. In summary, the available evidence is currently insufficient to determine the role of this variant in disease. Therefore, it has been classified as a Variant of Uncertain Significance. This sequence change replaces leucine, which is neutral and non-polar, with valine, which is neutral and non-polar, at codon 359 of the CCDC78 protein (p.Leu359Val). This variant is present in population databases (no rsID available, gnomAD 0.008%).